The following is an entry in ClinVar:

ClinVar aggregate classification (germline): Uncertain significance. Review status: criteria provided, multiple submitters, no conflicts (2 of 4 stars). 3 submissions from 3 submitters: Uncertain significance (3). Last evaluated 2023-05-17.

Conditions:
Nemaline myopathy 8 (NEM8). Also called: Nemaline myopathy 8, autosomal recessive. Identifiers: Orphanet 171430, MedGen C3809209, MONDO:0014138, OMIM 615348.

Allele frequency attached by ClinVar (database versions not stated): ExAC 0.00008; gnomAD exomes 0.00008 and 0.00014; TOPMed 0.00008; gnomAD 0.00011; 1000 Genomes Project 30x 0.00016; 1000 Genomes Project 0.00020; ESP Exome Variant Server 0.00023.

Submissions (3):

Revvity Omics, Revvity
Classification: Uncertain significance for Nemaline myopathy 8. Last evaluated: 2023-05-17. Review status: criteria provided, single submitter. Criteria: ACMG Guidelines, 2015. Collection method: clinical testing. Allele origin: germline.

Labcorp Genetics (formerly Invitae), Labcorp
Classification: Uncertain significance for Nemaline myopathy 8. Last evaluated: 2022-09-03. Review status: criteria provided, single submitter. Criteria: Invitae Variant Classification Sherloc (09022015). Collection method: clinical testing. Allele origin: germline.
Comment: This sequence change replaces glycine, which is neutral and non-polar, with serine, which is neutral and polar, at codon 30 of the KLHL40 protein (p.Gly30Ser). This variant is present in population databases (rs140056720, gnomAD 0.01%). This variant has not been reported in the literature in individuals affected with KLHL40-related conditions. ClinVar contains an entry for this variant (Variation ID: 578842). Algorithms developed to predict the effect of missense changes on protein structure and function (SIFT, PolyPhen-2, Align-GVGD) all suggest that this variant is likely to be tolerated. In summary, the available evidence is currently insufficient to determine the role of this variant in disease. Therefore, it has been classified as a Variant of Uncertain Significance.

GeneDx
Classification: Uncertain significance. Last evaluated: 2022-05-05. Review status: criteria provided, single submitter. Criteria: GeneDx Variant Classification Process June 2021. Collection method: clinical testing. Allele origin: germline. Affected: yes.
Comment: In silico analysis supports that this missense variant does not alter protein structure/function; Has not been previously published as pathogenic or benign to our knowledge

NM_152393.4(KLHL40):c.88G>A (p.Gly30Ser)

Gene: KLHL40 (kelch like family member 40; plus strand). Cytogenetic location: 3p22.1.
Variant type: single nucleotide variant.
Coding change: c.88G>A on transcript NM_152393.4 (MANE Select); coding-DNA position 88, G replaced by A.
Protein change: p.Gly30Ser; replaces glycine 30 with serine.
Molecular consequence: missense variant.
Genome position (GRCh38, 1-based): chr3:42,685,706, G>A. VCF-style: chr3-42685706-G-A. GRCh37 (hg19) VCF-style: chr3-42727198-G-A.
Other names: short protein forms G30S.
Identifiers: ClinVar variation 578842 (VCV000578842.8), dbSNP rs140056720, ClinGen allele CA2336563.
Genomic context (GRCh38, chr3:42,685,706, plus strand): 5'-GAGCAGCGGTTGTACCAGCAGACGCTCCTGCAAGACGGGCTCAAAGACATGCTGGACCAT[G>A]GCAAGTTCCTCGACTGTGTGGTGCGGGCGGGCGAGCGCGAGTTCCCGTGCCATCGCCTGG-3'
Protein context (NP_689606.2, residues 20-40): QDGLKDMLDH[Gly30Ser]KFLDCVVRAG